The following is an entry in ClinVar:

ClinVar aggregate classification (germline): Uncertain significance (1 of 4 stars; one submission).

Conditions:
Hereditary cancer-predisposing syndrome. Also called: Hereditary neoplastic syndrome; Neoplastic Syndromes, Hereditary; Tumor predisposition; Hereditary Cancer Syndrome. Identifiers: Orphanet 140162, MedGen C0027672, MeSH D009386, MONDO:0015356.

Submission:

Ambry Genetics
Classification: Uncertain significance for Hereditary cancer-predisposing syndrome. Last evaluated: 2025-08-27. Review status: criteria provided, single submitter. Criteria: Ambry Variant Classification Scheme 2023. Collection method: clinical testing. Allele origin: germline.
Comment: The p.G321E variant (also known as c.962G>A), located in coding exon 11 of the MUTYH gene, results from a G to A substitution at nucleotide position 962. The glycine at codon 321 is replaced by glutamic acid, an amino acid with similar properties. This amino acid position is conserved. In addition, this alteration is predicted to be tolerated by in silico analysis. Based on the available evidence, the clinical significance of this variant remains unclear.

NM_001048174.2(MUTYH):c.878G>A (p.Gly293Glu)

Gene: MUTYH (mutY DNA glycosylase; minus strand). Cytogenetic location: 1p34.1.
Variant type: single nucleotide variant.
Coding change: c.878G>A on transcript NM_001048174.2 (MANE Select); coding-DNA position 878, G replaced by A.
Protein change: p.Gly293Glu; replaces glycine 293 with glutamic acid.
Molecular consequence: missense variant. On other transcripts: non-coding transcript variant (7).
Genome position (GRCh38, 1-based): chr1:45,332,058, C>T on the plus strand (G>A on the coding strand, the complement: MUTYH is on the minus strand). VCF-style: chr1-45332058-C-T. GRCh37 (hg19) VCF-style: chr1-45797730-C-T.
Other names: c.602G>A, p.Gly201Glu (NM_001293196.2, NM_001407091.1, NM_001293192.2); c.533G>A, p.Gly178Glu (NM_001350650.2, NM_001350651.2, NM_001407082.1); c.911G>A, p.Gly304Glu (NM_001407069.1, NM_001293191.2, NM_001407077.1); c.878G>A, p.Gly293Glu (NM_001407070.1, NM_001407072.1, NM_001407073.1 and 6 more transcripts); c.881G>A, p.Gly294Glu (NM_001407071.1, NM_001048172.2, NM_001407078.1 and 1 more transcripts); c.794G>A, p.Gly265Glu (NM_001407075.1); c.953G>A, p.Gly318Glu (NM_012222.3); c.962G>A, p.Gly321Glu (NM_001128425.2); and 5 more; short protein forms G178E, G307E, G280E, G293E, G304E, G308E, G201E, G265E.
Identifiers: ClinVar variation 4113958 (VCV004113958.1).